The following is an entry in ClinVar:

NM_004491.5(ARHGAP35):c.1233_1242delinsGC (p.Ala412fs)

Gene: ARHGAP35 (Rho GTPase activating protein 35; plus strand). Cytogenetic location: 19q13.32.
Variant type: Indel.
Coding change: c.1233_1242delinsGC on transcript NM_004491.5 (MANE Select); coding-DNA positions 1233 to 1242, TGCAGAGCAG replaced by GC.
Protein change: p.Ala412fs; shifts the reading frame from alanine 412.
Molecular consequence: frameshift variant.
Genome position (GRCh38, 1-based): chr19:46,919,908-46,919,917, TGCAGAGCAG replaced by GC. VCF-style: chr19-46919908-TGCAGAGCAG-GC. GRCh37 (hg19) VCF-style: chr19-47423165-TGCAGAGCAG-GC.
Other names: short protein forms A412fs.
Identifiers: ClinVar variation 4642420 (VCV004642420.1).

ClinVar aggregate classification (germline): Pathogenic (1 of 4 stars; one submission).

Submission:

Ambry Genetics
Classification: Pathogenic. Last evaluated: 2025-12-10. Review status: criteria provided, single submitter. Criteria: Ambry Variant Classification Scheme 2023. Collection method: clinical testing. Allele origin: germline.
Comment: The c.1233_1242del10insGC (p.A412Pfs*17) alteration, located in exon 1 (coding exon 1) of the ARHGAP35 gene, consists of a deletion of 10 and insertion of 2 nucleotides causing a translational frameshift at position 1233 with a predicted alternate stop codon after 17 amino acids. This alteration is expected to result in loss of function by premature protein truncation or nonsense-mediated mRNA decay. This variant was not reported in population-based cohorts in the Genome Aggregation Database (gnomAD). Based on the available evidence, this alteration is classified as pathogenic.